The following is an entry in ClinVar:

NM_006231.4(POLE):c.152A>G (p.Glu51Gly)

Gene: POLE (DNA polymerase epsilon, catalytic subunit; minus strand). Cytogenetic location: 12q24.33.
Variant type: single nucleotide variant.
Coding change: c.152A>G on transcript NM_006231.4 (MANE Select); coding-DNA position 152, A replaced by G.
Protein change: p.Glu51Gly; replaces glutamic acid 51 with glycine.
Molecular consequence: missense variant.
Genome position (GRCh38, 1-based): chr12:132,681,190, T>C on the plus strand (A>G on the coding strand, the complement: POLE is on the minus strand). VCF-style: chr12-132681190-T-C. GRCh37 (hg19) VCF-style: chr12-133257776-T-C.
Other names: c.152A>G (NM_006231.2); short protein forms E51G.
Identifiers: ClinVar variation 943281 (VCV000943281.8), dbSNP rs2043159542, ClinGen allele CA387369957.

ClinVar aggregate classification (germline): Uncertain significance. Review status: criteria provided, multiple submitters, no conflicts (2 of 4 stars). 2 submissions from 2 submitters: Uncertain significance (2). Last evaluated 2024-07-29.

Conditions:
Hereditary cancer-predisposing syndrome. Also called: Neoplastic Syndromes, Hereditary; Hereditary Cancer Syndrome; Tumor predisposition; Hereditary neoplastic syndrome. Identifiers: Orphanet 140162, MedGen C0027672, MeSH D009386, MONDO:0015356.

gnomAD v4.1: 4 of 1,614,082 alleles (0.00025%); highest among the groups gnomAD compares: Non-Finnish European, 0.00034%; no homozygotes.

Submissions (2):

Labcorp Genetics (formerly Invitae), Labcorp
Classification: Uncertain significance. Last evaluated: 2024-07-29. Review status: criteria provided, single submitter. Criteria: Invitae Variant Classification Sherloc (09022015). Collection method: clinical testing. Allele origin: germline.
Comment: This sequence change replaces glutamic acid, which is acidic and polar, with glycine, which is neutral and non-polar, at codon 51 of the POLE protein (p.Glu51Gly). This variant is not present in population databases (gnomAD no frequency). This variant has not been reported in the literature in individuals affected with POLE-related conditions. ClinVar contains an entry for this variant (Variation ID: 943281). Advanced modeling of protein sequence and biophysical properties (such as structural, functional, and spatial information, amino acid conservation, physicochemical variation, residue mobility, and thermodynamic stability) performed at Invitae indicates that this missense variant is not expected to disrupt POLE protein function with a negative predictive value of 80%. In summary, the available evidence is currently insufficient to determine the role of this variant in disease. Therefore, it has been classified as a Variant of Uncertain Significance.

Ambry Genetics
Classification: Uncertain significance for Hereditary cancer-predisposing syndrome. Last evaluated: 2024-03-08. Review status: criteria provided, single submitter. Criteria: Ambry Variant Classification Scheme 2023. Collection method: clinical testing. Allele origin: germline.
Comment: The p.E51G variant (also known as c.152A>G), located in coding exon 2 of the POLE gene, results from an A to G substitution at nucleotide position 152. The glutamic acid at codon 51 is replaced by glycine, an amino acid with similar properties. This amino acid position is conserved. In addition, this alteration is predicted to be tolerated by in silico analysis. Based on the available evidence, the clinical significance of this alteration remains unclear.